The following is an entry in ClinVar:

NM_002335.4(LRP5):c.4156G>A (p.Ala1386Thr)

Gene: LRP5 (LDL receptor related protein 5; plus strand). Cytogenetic location: 11q13.2.
Variant type: single nucleotide variant.
Coding change: c.4156G>A on transcript NM_002335.4 (MANE Select); coding-DNA position 4156, G replaced by A.
Protein change: p.Ala1386Thr; replaces alanine 1386 with threonine.
Molecular consequence: missense variant.
Genome position (GRCh38, 1-based): chr11:68,438,490, G>A. VCF-style: chr11-68438490-G-A. GRCh37 (hg19) VCF-style: chr11-68205958-G-A.
Other names: c.2413G>A, p.Ala805Thr (NM_001291902.2); short protein forms A1386T, A805T.
Identifiers: ClinVar variation 1054840 (VCV001054840.16), dbSNP rs547456980, ClinGen allele CA6150267.

ClinVar aggregate classification (germline): Benign/Likely benign. Review status: criteria provided, multiple submitters, no conflicts (2 of 4 stars). 5 submissions from 5 submitters: Benign (1); Likely benign (4). Last evaluated 2026-02-01.

Conditions:
LRP5-related disorder. Also called: LRP5-related condition.
Osteogenesis imperfecta (OI). Identifiers: Orphanet 666, MedGen C0029434, MeSH D010013, MONDO:0019019.

Allele frequency attached by ClinVar (database versions not stated): gnomAD exomes 0.00023 and 0.00011; ExAC 0.00031; 1000 Genomes Project 0.00060; 1000 Genomes Project 30x 0.00062; TOPMed 0.00001; gnomAD 0.00004.
gnomAD v4.1: 172 of 1,614,198 alleles (0.011%); highest among the groups gnomAD compares: South Asian, 0.18%; 1 homozygote.

Submissions (5):

Labcorp Genetics (formerly Invitae), Labcorp
Classification: Likely benign. Last evaluated: 2026-02-01. Review status: criteria provided, single submitter. Criteria: Invitae Variant Classification Sherloc (09022015). Collection method: clinical testing. Allele origin: germline.

PreventionGenetics, part of Exact Sciences
Classification: Likely benign for LRP5-related condition. Last evaluated: 2025-01-10. Review status: criteria provided, single submitter. Criteria: ACMG Guidelines, 2015. Collection method: clinical testing. Allele origin: germline.
Comment: This variant is classified as likely benign based on ACMG/AMP sequence variant interpretation guidelines (Richards et al. 2015 PMID: 25741868, with internal and published modifications).

Blueprint Genetics
Classification: Benign. Last evaluated: 2023-07-26. Review status: criteria provided, single submitter. Criteria: ACMG Guidelines, 2015. Collection method: clinical testing. Allele origin: germline.

Genome Diagnostics Laboratory, The Hospital for Sick Children
Classification: Likely benign for Osteogenesis imperfecta. Last evaluated: 2022-05-25. Review status: criteria provided, single submitter. Criteria: ACMG Guidelines, 2015. Collection method: clinical testing. Allele origin: germline.

Dubai Health Genomic Medicine Center, Dubai Health
Classification: Likely benign. Last evaluated: 2020-06-25. Review status: criteria provided, single submitter. Criteria: ACMG Guidelines, 2015. Collection method: clinical testing. Allele origin: germline. Affected: yes.